The following is an entry in ClinVar:

NM_001353921.2(ARHGEF9):c.31-29583C>A

Gene: ARHGEF9 (Cdc42 guanine nucleotide exchange factor 9; minus strand). Cytogenetic location: Xq11.1.
Variant type: single nucleotide variant.
Coding change: c.31-29583C>A on transcript NM_001353921.2 (MANE Select); 29583 bases into the intron before coding-DNA position 31, C replaced by A.
Molecular consequence: intron variant.
Genome position (GRCh38, 1-based): chrX:63,754,294, G>T on the plus strand (C>A on the coding strand, the complement: ARHGEF9 is on the minus strand). VCF-style: chrX-63754294-G-T. GRCh37 (hg19) VCF-style: chrX-62974174-G-T.
Other names: c.30+30822C>A (NM_001173479.2); c.31-29583C>A (NM_001353922.2); c.-55+1540C>A (NM_001369043.1, NM_001330495.2); c.48+864C>A (NM_001353923.1); c.-55+725C>A (NM_001369038.1); c.-360+21C>A (NM_001369037.1); c.-55+627C>A (NM_001369041.1, NM_001369044.1, NM_001369035.1); c.-55+21C>A (NM_001369034.1, NM_001353927.2, NM_001369033.1); and 6 more.
Identifiers: ClinVar variation 512001 (VCV000512001.9), dbSNP rs370045250, ClinGen allele CA10432010.

ClinVar aggregate classification (germline): Likely benign. Review status: criteria provided, multiple submitters, no conflicts (2 of 4 stars). 2 submissions from 2 submitters: Likely benign (2). Last evaluated 2025-10-01.

Conditions:
Developmental and epileptic encephalopathy, 8 (DEE8). Also called: HYPEREKPLEXIA AND EPILEPSY. Identifiers: Orphanet 163985, Orphanet 2076, MedGen C1845102, MONDO:0010375, OMIM 300607.

Allele frequency attached by ClinVar (database versions not stated): gnomAD exomes 0.00001 and 0.00002; TOPMed 0.00002; gnomAD 0.00008 and 0.00009; ESP Exome Variant Server 0.00028.

Submissions (2):

Labcorp Genetics (formerly Invitae), Labcorp
Classification: Likely benign for Developmental and epileptic encephalopathy, 8. Last evaluated: 2025-10-01. Review status: criteria provided, single submitter. Criteria: Invitae Variant Classification Sherloc (09022015). Collection method: clinical testing. Allele origin: germline.

GeneDx
Classification: Likely benign. Last evaluated: 2017-09-15. Review status: criteria provided, single submitter. Criteria: GeneDx Variant Classification (06012015). Collection method: clinical testing. Allele origin: germline. Affected: yes.
Comment: This variant is considered likely benign or benign based on one or more of the following criteria: it is a conservative change, it occurs at a poorly conserved position in the protein, it is predicted to be benign by multiple in silico algorithms, and/or has population frequency not consistent with disease.